The following is an entry in ClinVar:

ClinVar aggregate classification (germline): Uncertain significance (1 of 4 stars; one submission).

Conditions:
Duchenne muscular dystrophy (DMD). Also called: MUSCULAR DYSTROPHY, PSEUDOHYPERTROPHIC PROGRESSIVE, DUCHENNE TYPE; Duchenne Muscular Dystrophy (DMD). Identifiers: Orphanet 98896, MedGen C0013264, MONDO:0010679, OMIM 310200.

Submission:

Labcorp Genetics (formerly Invitae), Labcorp
Classification: Uncertain significance for Duchenne muscular dystrophy. Last evaluated: 2024-01-05. Review status: criteria provided, single submitter. Criteria: Invitae Variant Classification Sherloc (09022015). Collection method: clinical testing. Allele origin: germline.
Comment: This sequence change replaces alanine, which is neutral and non-polar, with glycine, which is neutral and non-polar, at codon 2708 of the DMD protein (p.Ala2708Gly). This variant is not present in population databases (gnomAD no frequency). This variant has not been reported in the literature in individuals affected with DMD-related conditions. Advanced modeling of protein sequence and biophysical properties (such as structural, functional, and spatial information, amino acid conservation, physicochemical variation, residue mobility, and thermodynamic stability) performed at Invitae indicates that this missense variant is not expected to disrupt DMD protein function with a negative predictive value of 95%. In summary, the available evidence is currently insufficient to determine the role of this variant in disease. Therefore, it has been classified as a Variant of Uncertain Significance.

NM_004006.3(DMD):c.8123C>G (p.Ala2708Gly)

Gene: DMD (dystrophin; minus strand). Cytogenetic location: Xp21.1.
Variant type: single nucleotide variant.
Coding change: c.8123C>G on transcript NM_004006.3 (MANE Select); coding-DNA position 8123, C replaced by G.
Protein change: p.Ala2708Gly; replaces alanine 2708 with glycine.
Molecular consequence: missense variant.
Genome position (GRCh38, 1-based): chrX:31,627,767, G>C on the plus strand (C>G on the coding strand, the complement: DMD is on the minus strand). VCF-style: chrX-31627767-G-C. GRCh37 (hg19) VCF-style: chrX-31645884-G-C.
Other names: c.8099C>G, p.Ala2700Gly (NM_000109.4); c.8111C>G, p.Ala2704Gly (NM_004009.3); c.7754C>G, p.Ala2585Gly (NM_004010.3); c.4100C>G, p.Ala1367Gly (NM_004011.4); c.4091C>G, p.Ala1364Gly (NM_004012.4); c.743C>G, p.Ala248Gly (NM_004013.3, NM_004020.4, NM_004021.3 and 2 more transcripts); short protein forms A248G, A2700G, A2704G, A1367G, A2585G, A2708G, A1364G.
Identifiers: ClinVar variation 2707740 (VCV002707740.3), dbSNP rs2528278477, ClinGen allele CA412657247.